The following is an entry in ClinVar:

NM_138615.3(DHX30):c.530G>A (p.Gly177Glu)

Gene: DHX30 (DExH-box helicase 30; plus strand). Cytogenetic location: 3p21.31.
Variant type: single nucleotide variant.
Coding change: c.530G>A on transcript NM_138615.3 (MANE Select); coding-DNA position 530, G replaced by A.
Protein change: p.Gly177Glu; replaces glycine 177 with glutamic acid.
Molecular consequence: missense variant.
Genome position (GRCh38, 1-based): chr3:47,841,040, G>A. VCF-style: chr3-47841040-G-A. GRCh37 (hg19) VCF-style: chr3-47882530-G-A.
Other names: c.446G>A, p.Gly149Glu (NM_001330990.2); c.413G>A, p.Gly138Glu (NM_014966.4); short protein forms G138E, G149E, G177E.
Identifiers: ClinVar variation 4688723 (VCV004688723.1).

ClinVar aggregate classification (germline): Uncertain significance (1 of 4 stars; one submission).

gnomAD v4.1: 3 of 1,614,086 alleles (0.00019%); highest among the groups gnomAD compares: African/African-American, 0.0013%; no homozygotes.

Submission:

Women's Health and Genetics/Laboratory Corporation of America, LabCorp
Classification: Uncertain significance. Last evaluated: 2025-12-29. Review status: criteria provided, single submitter. Criteria: LabCorp Variant Classification Summary - May 2015. Collection method: clinical testing. Allele origin: germline.
Comment: Variant summary: DHX30 c.530G>A (p.Gly177Glu) results in a non-conservative amino acid change in the encoded protein sequence. Algorithms developed to predict the effect of missense changes on protein structure and function are either unavailable or do not agree on the potential impact of this missense change. The variant allele was found at a frequency of 4e-06 in 251232 control chromosomes. The available data on variant occurrences in the general population are insufficient to allow any conclusion about variant significance. To our knowledge, no occurrence of c.530G>A in individuals affected with DHX30-related conditions and no experimental evidence demonstrating its impact on protein function have been reported. No submitters have cited clinical-significance assessments for this variant to ClinVar. Based on the evidence outlined above, the variant was classified as uncertain significance.